The following is an entry in ClinVar:

NM_172201.2(KCNE2):c.40G>A (p.Val14Ile)

Genes: KCNE2 (potassium voltage-gated channel subfamily E regulatory subunit 2; plus strand), LOC105372791 (uncharacterized LOC105372791; minus strand). Cytogenetic location: 21q22.11.
Variant type: single nucleotide variant.
Coding change: c.40G>A on transcript NM_172201.2 (MANE Select); coding-DNA position 40, G replaced by A.
Protein change: p.Val14Ile; replaces valine 14 with isoleucine.
Molecular consequence: missense variant.
Genome position (GRCh38, 1-based): chr21:34,370,518, G>A. VCF-style: chr21-34370518-G-A. GRCh37 (hg19) VCF-style: chr21-35742817-G-A.
Other names: p.V14I:GTC>ATC; c.40G>A (LRG_291t1); short protein forms V14I.
Identifiers: ClinVar variation 67621 (VCV000067621.20), dbSNP rs142153692, ClinGen allele CA211456.
Genomic context (GRCh38, chr21:34,370,518, plus strand): 5'-AAATTGCAGCAGGAGGGAAGCATGTCTACTTTATCCAATTTCACACAGACGCTGGAAGAC[G>A]TCTTCCGAAGGATTTTTATTACTTATATGGACAATTGGCGCCAGAACACAACAGCTGAGC-3'
Protein context (NP_751951.1, residues 4-24): LSNFTQTLED[Val14Ile]FRRIFITYMD

ClinVar aggregate classification (germline): Likely benign. Review status: criteria provided, multiple submitters, no conflicts (2 of 4 stars). 9 submissions from 9 submitters: Likely benign (5). 4 of the submissions do not count toward it. Last evaluated 2025-11-23.

Conditions:
Long QT syndrome 6 (LQT6). Identifiers: Orphanet 101016, Orphanet 768, MedGen C3150953, MONDO:0013370, OMIM 613693.
Long QT syndrome (LQTS). Identifiers: MedGen C0023976, MeSH D008133, MONDO:0002442. Disease mechanism: loss of function. Inheritance: Various modes of inheritance.
Cardiovascular phenotype. Identifiers: MedGen CN230736.

Allele frequency attached by ClinVar (database versions not stated): ExAC 0.00024; gnomAD 0.00053 and 0.00054; TOPMed 0.00070; ESP Exome Variant Server 0.00085; 1000 Genomes Project 30x 0.00109; 1000 Genomes Project 0.00120.
gnomAD v4.1: 311 of 1,614,166 alleles (0.019%); highest among the groups gnomAD compares: African/African-American, 0.16%; 2 homozygotes.

Submissions (9):

Labcorp Genetics (formerly Invitae), Labcorp
Classification: Likely benign for Long QT syndrome 6. Last evaluated: 2025-11-23. Review status: criteria provided, single submitter. Criteria: Invitae Variant Classification Sherloc (09022015). Collection method: clinical testing. Allele origin: germline.

Blueprint Genetics
Classification: Likely benign. Last evaluated: 2024-09-16. Review status: criteria provided, single submitter. Criteria: ACMG Guidelines, 2015. Collection method: clinical testing. Allele origin: germline.

GeneDx
Classification: Likely benign. Last evaluated: 2019-09-24. Review status: criteria provided, single submitter. Criteria: GeneDx Variant Classification Process June 2021. Collection method: clinical testing. Allele origin: germline. Affected: yes.
Comment: This variant is associated with the following publications: (PMID: 24055113, 28988457, 23465283, 25637381, 19716085, 15913580, 31043699)

Mendelics
Classification: Likely benign for Long QT syndrome 6. Last evaluated: 2019-05-28. Review status: criteria provided, single submitter. Criteria: Mendelics Assertion Criteria 2017. Collection method: clinical testing. Allele origin: unknown.

Ambry Genetics
Classification: Likely benign for Cardiovascular phenotype. Last evaluated: 2018-05-31. Review status: criteria provided, single submitter. Criteria: Ambry Variant Classification Scheme 2023. Collection method: clinical testing. Allele origin: germline.

CSER _CC_NCGL, University of Washington
Classification: Uncertain significance for Long QT syndrome. Last evaluated: 2014-06-01. Review status: no assertion criteria provided. Collection method: research. Allele origin: germline. Inheritance: Autosomal dominant inheritance. Study: ESP 6500 variant annotation. Not counted in ClinVar's aggregate classification.
Comment: Variants classified for the Actionable exomic incidental findings in 6503 participants: challenges of variant classification manuscript

Cardiovascular Biomedical Research Unit, Royal Brompton & Harefield NHS Foundation Trust
No classification provided. Review status: no classification provided. Collection method: literature only. Allele origin: germline. Not counted in ClinVar's aggregate classification.
Comment: This variant has been reported in the following publications (PMID:19716085).

Clinical Genetics, Academic Medical Center
Classification: Likely benign. Review status: no assertion criteria provided. Collection method: clinical testing. Allele origin: germline. Affected: yes. Study: VKGL Data-share Consensus. Not counted in ClinVar's aggregate classification.

Diagnostic Laboratory, Department of Genetics, University Medical Center Groningen
Classification: Likely benign. Review status: no assertion criteria provided. Collection method: clinical testing. Allele origin: germline. Affected: yes. Study: VKGL Data-share Consensus. Not counted in ClinVar's aggregate classification.

Literature cited by the submitters: PubMed 15913580 (cited by Ambry Genetics); PubMed 23465283 (cited by Ambry Genetics); PubMed 24055113 (cited by Ambry Genetics); PubMed 25637381 (cited by Ambry Genetics); PubMed 28794082 (cited by Ambry Genetics); PubMed 19716085 (cited by Cardiovascular Biomedical Research Unit, Royal Brompton & Harefield NHS Foundation Trust); PubMed 22581653 (cited by Cardiovascular Biomedical Research Unit, Royal Brompton & Harefield NHS Foundation Trust).